The following is an entry in ClinVar:

ClinVar aggregate classification (germline): Uncertain significance (1 of 4 stars; one submission).

Submission:

Labcorp Genetics (formerly Invitae), Labcorp
Classification: Uncertain significance. Last evaluated: 2024-06-07. Review status: criteria provided, single submitter. Criteria: Invitae Variant Classification Sherloc (09022015). Collection method: clinical testing. Allele origin: germline.
Comment: This sequence change replaces alanine, which is neutral and non-polar, with threonine, which is neutral and polar, at codon 417 of the SCARB1 protein (p.Ala417Thr). This variant is not present in population databases (gnomAD no frequency). This variant has not been reported in the literature in individuals affected with SCARB1-related conditions. Advanced modeling of protein sequence and biophysical properties (such as structural, functional, and spatial information, amino acid conservation, physicochemical variation, residue mobility, and thermodynamic stability) performed at Invitae indicates that this missense variant is not expected to disrupt SCARB1 protein function with a negative predictive value of 80%. In summary, the available evidence is currently insufficient to determine the role of this variant in disease. Therefore, it has been classified as a Variant of Uncertain Significance.

NM_005505.5(SCARB1):c.1249G>A (p.Ala417Thr)

Gene: SCARB1 (scavenger receptor class B member 1; minus strand). Cytogenetic location: 12q24.31.
Variant type: single nucleotide variant.
Coding change: c.1249G>A on transcript NM_005505.5 (MANE Select); coding-DNA position 1249, G replaced by A.
Protein change: p.Ala417Thr; replaces alanine 417 with threonine.
Molecular consequence: missense variant. On other transcripts: non-coding transcript variant (9).
Genome position (GRCh38, 1-based): chr12:124,787,411, C>T on the plus strand (G>A on the coding strand, the complement: SCARB1 is on the minus strand). VCF-style: chr12-124787411-C-T. GRCh37 (hg19) VCF-style: chr12-125271957-C-T.
Other names: c.1249G>A, p.Ala417Thr (NM_001082959.2, NM_001367981.1, NM_001367983.1 and 3 more transcripts); c.1126G>A, p.Ala376Thr (NM_001367982.1); c.1225G>A, p.Ala409Thr (NM_001367985.1); c.1051G>A, p.Ala351Thr (NM_001367987.1); c.847G>A, p.Ala283Thr (NM_001367988.1); short protein forms A376T, A409T, A283T, A417T, A351T.
Identifiers: ClinVar variation 3654940 (VCV003654940.2).